The following is an entry in ClinVar:

ClinVar aggregate classification (germline): Uncertain significance. Review status: criteria provided, multiple submitters, no conflicts (2 of 4 stars). 2 submissions from 2 submitters: Uncertain significance (2). Last evaluated 2022-08-24.

Conditions:
Cernunnos-XLF deficiency (IMD124). Also called: Severe combined immunodeficiency with sensitivity to ionizing radiation due to NHEJ1 deficiency; SCID, autosomal recessive, T cell-negative, B cell-negative, NK cell-positive, and sensitivity to ionizing radiation due to NHEJ1 deficiency; IMMUNODEFICIENCY 124, SEVERE COMBINED; NHEJ1 SYNDROME; SCID, AUTOSOMAL RECESSIVE, T CELL-NEGATIVE, B CELL-NEGATIVE, NK CELL-POSITIVE, WITH MICROCEPHALY, GROWTH RETARDATION, AND SENSITIVITY TO IONIZING RADIATION. Identifiers: Orphanet 169079, MedGen C1969799, MONDO:0012650, OMIM 611291.
Inborn genetic diseases. Identifiers: MedGen C0950123, MeSH D030342.

Allele frequency attached by ClinVar (database versions not stated): gnomAD 0.00003; TOPMed 0.00004; gnomAD exomes 0.00007; ESP Exome Variant Server 0.00015.
gnomAD v4.1: 105 of 1,614,066 alleles (0.0065%); highest among the groups gnomAD compares: Non-Finnish European, 0.0085%; no homozygotes.

Submissions (2):

Ambry Genetics
Classification: Uncertain significance for Inborn genetic diseases. Last evaluated: 2022-08-24. Review status: criteria provided, single submitter. Criteria: Ambry Variant Classification Scheme 2023. Collection method: clinical testing. Allele origin: germline.

Labcorp Genetics (formerly Invitae), Labcorp
Classification: Uncertain significance for Cernunnos-XLF deficiency. Last evaluated: 2022-05-20. Review status: criteria provided, single submitter. Criteria: Invitae Variant Classification Sherloc (09022015). Collection method: clinical testing. Allele origin: germline.
Comment: This sequence change replaces alanine, which is neutral and non-polar, with serine, which is neutral and polar, at codon 58 of the NHEJ1 protein (p.Ala58Ser). This variant is present in population databases (rs142684479, gnomAD 0.004%). This variant has not been reported in the literature in individuals affected with NHEJ1-related conditions. ClinVar contains an entry for this variant (Variation ID: 641205). Algorithms developed to predict the effect of missense changes on protein structure and function are either unavailable or do not agree on the potential impact of this missense change (SIFT: "Tolerated"; PolyPhen-2: "Possibly Damaging"; Align-GVGD: "Class C0"). In summary, the available evidence is currently insufficient to determine the role of this variant in disease. Therefore, it has been classified as a Variant of Uncertain Significance.

NM_024782.3(NHEJ1):c.172G>T (p.Ala58Ser)

Gene: NHEJ1 (non-homologous end joining factor 1; minus strand). Cytogenetic location: 2q35.
Variant type: single nucleotide variant.
Coding change: c.172G>T on transcript NM_024782.3 (MANE Select); coding-DNA position 172, G replaced by T.
Protein change: p.Ala58Ser; replaces alanine 58 with serine.
Molecular consequence: missense variant. On other transcripts: non-coding transcript variant (1).
Genome position (GRCh38, 1-based): chr2:219,158,191, C>A on the plus strand (G>T on the coding strand, the complement: NHEJ1 is on the minus strand). VCF-style: chr2-219158191-C-A. GRCh37 (hg19) VCF-style: chr2-220022913-C-A.
Other names: c.172G>T, p.Ala58Ser (NM_001377498.1, NM_001377499.1); short protein forms A58S.
Identifiers: ClinVar variation 641205 (VCV000641205.8), dbSNP rs142684479, ClinGen allele CA2117087.